The following is an entry in ClinVar:

ClinVar aggregate classification (germline): Uncertain significance. Review status: criteria provided, multiple submitters, no conflicts (2 of 4 stars). 2 submissions from 2 submitters: Uncertain significance (2). Last evaluated 2026-01-18.

gnomAD v4.1: 26 of 1,551,588 alleles (0.0017%); highest among the groups gnomAD compares: African/African-American, 0.0055%; no homozygotes.

Submissions (2):

Labcorp Genetics (formerly Invitae), Labcorp
Classification: Uncertain significance. Last evaluated: 2026-01-18. Review status: criteria provided, single submitter. Criteria: Invitae Variant Classification Sherloc (09022015). Collection method: clinical testing. Allele origin: germline.
Comment: This sequence change replaces arginine, which is basic and polar, with histidine, which is basic and polar, at codon 401 of the WDR87 protein (p.Arg401His). This variant is present in population databases (rs774834690, gnomAD 0.02%). This variant has not been reported in the literature in individuals affected with WDR87-related conditions. ClinVar contains an entry for this variant (Variation ID: 3981335). An algorithm developed to predict the effect of missense changes on protein structure and function (PolyPhen-2) suggests that this variant is likely to be disruptive. In summary, the available evidence is currently insufficient to determine the role of this variant in disease. Therefore, it has been classified as a Variant of Uncertain Significance.

Ambry Genetics
Classification: Uncertain significance. Last evaluated: 2025-04-13. Review status: criteria provided, single submitter. Criteria: Ambry Variant Classification Scheme 2023. Collection method: clinical testing. Allele origin: germline.

NM_001291088.2(WDR87):c.1319G>A (p.Arg440His)

Gene: WDR87 (WD repeat domain 87; minus strand). Cytogenetic location: 19q13.13.
Variant type: single nucleotide variant.
Coding change: c.1319G>A on transcript NM_001291088.2 (MANE Select); coding-DNA position 1319, G replaced by A.
Protein change: p.Arg440His; replaces arginine 440 with histidine.
Molecular consequence: missense variant.
Genome position (GRCh38, 1-based): chr19:37,894,384, C>T on the plus strand (G>A on the coding strand, the complement: WDR87 is on the minus strand). VCF-style: chr19-37894384-C-T. GRCh37 (hg19) VCF-style: chr19-38385024-C-T.
Other names: c.1202G>A, p.Arg401His (NM_031951.5); short protein forms R440H, R401H.
Identifiers: ClinVar variation 3981335 (VCV003981335.2).